The following is an entry in ClinVar:

ClinVar aggregate classification (germline): Conflicting classifications of pathogenicity. Review status: criteria provided, conflicting classifications (1 of 4 stars). 2 submissions from 2 submitters: Uncertain significance (1); Likely benign (1). Last evaluated 2025-09-08.

Conditions:
Alstrom syndrome (ALMS). Identifiers: Orphanet 64, MedGen C0268425, MONDO:0008763, OMIM 203800.
Cardiovascular phenotype. Identifiers: MedGen CN230736.

Allele frequency attached by ClinVar (database versions not stated): gnomAD 0.00001; TOPMed 0.00002.
gnomAD v4.1: 3 of 1,613,164 alleles (0.00019%); highest among the groups gnomAD compares: African/African-American, 0.004%; no homozygotes.

Submissions (2):

Ambry Genetics
Classification: Likely benign for Cardiovascular phenotype. Last evaluated: 2025-09-08. Review status: criteria provided, single submitter. Criteria: Ambry Variant Classification Scheme 2023. Collection method: clinical testing. Allele origin: germline.

Labcorp Genetics (formerly Invitae), Labcorp
Classification: Uncertain significance for Alstrom syndrome. Last evaluated: 2022-06-13. Review status: criteria provided, single submitter. Criteria: Invitae Variant Classification Sherloc (09022015). Collection method: clinical testing. Allele origin: germline.
Comment: This sequence change replaces serine, which is neutral and polar, with threonine, which is neutral and polar, at codon 1477 of the ALMS1 protein (p.Ser1477Thr). This variant is present in population databases (no rsID available, gnomAD 0.01%). This variant has not been reported in the literature in individuals affected with ALMS1-related conditions. Experimental studies and prediction algorithms are not available or were not evaluated, and the functional significance of this variant is currently unknown. In summary, the available evidence is currently insufficient to determine the role of this variant in disease. Therefore, it has been classified as a Variant of Uncertain Significance.

NM_001378454.1(ALMS1):c.4427G>C (p.Ser1476Thr)

Gene: ALMS1 (ALMS1 centrosome and basal body associated protein; plus strand). Cytogenetic location: 2p13.1.
Variant type: single nucleotide variant.
Coding change: c.4427G>C on transcript NM_001378454.1 (MANE Select); coding-DNA position 4427, G replaced by C.
Protein change: p.Ser1476Thr; replaces serine 1476 with threonine.
Molecular consequence: missense variant.
Genome position (GRCh38, 1-based): chr2:73,450,954, G>C. VCF-style: chr2-73450954-G-C. GRCh37 (hg19) VCF-style: chr2-73678081-G-C.
Other names: c.4430G>C, p.Ser1477Thr (NM_015120.4); short protein forms S1476T, S1477T.
Identifiers: ClinVar variation 1740554 (VCV001740554.5), dbSNP rs1230429863, ClinGen allele CA347278510.